The following is an entry in ClinVar:

ClinVar aggregate classification (germline): Benign. Review status: criteria provided, multiple submitters, no conflicts (2 of 4 stars). 3 submissions from 3 submitters: Benign (2). 1 of the submissions does not count toward it. Last evaluated 2021-06-09.

Allele frequency attached by ClinVar (database versions not stated): gnomAD exomes 0.00453 and 0.01275; ExAC 0.01528; gnomAD 0.04825 and 0.05144; ESP Exome Variant Server 0.05313; TOPMed 0.05445; 1000 Genomes Project 0.05691; 1000 Genomes Project 30x 0.06027.
gnomAD v4.1: 14,296 of 1,613,844 alleles (0.89%); highest among the groups gnomAD compares: African/African-American, 16%; 1,008 homozygotes.

Submissions (3):

GeneDx
Classification: Benign. Last evaluated: 2021-06-09. Review status: criteria provided, single submitter. Criteria: GeneDx Variant Classification Process June 2021. Collection method: clinical testing. Allele origin: germline. Affected: yes.

Breakthrough Genomics
Classification: Benign. Review status: criteria provided, single submitter. Criteria: ACMG Guidelines, 2015. Collection method: not provided. Allele origin: germline. Inheritance: Autosomal dominant inheritance. Affected: yes.

ITMI
No classification provided. Condition: AllHighlyPenetrant. Last evaluated: 2013-09-19. Review status: no classification provided. Collection method: reference population. Allele origin: germline. Not counted in ClinVar's aggregate classification.
Comment: Please see associated publication for description of ethnicities

Literature cited by the submitters: PubMed 24728327 (cited by ITMI).

NM_004119.3(FLT3):c.1669G>A (p.Val557Ile)

Gene: FLT3 (fms related receptor tyrosine kinase 3; minus strand). Cytogenetic location: 13q12.2.
Variant type: single nucleotide variant.
Coding change: c.1669G>A on transcript NM_004119.3 (MANE Select); coding-DNA position 1669, G replaced by A.
Protein change: p.Val557Ile; replaces valine 557 with isoleucine.
Molecular consequence: missense variant. On other transcripts: non-coding transcript variant (1).
Genome position (GRCh38, 1-based): chr13:28,034,336, C>T on the plus strand (G>A on the coding strand, the complement: FLT3 is on the minus strand). VCF-style: chr13-28034336-C-T. GRCh37 (hg19) VCF-style: chr13-28608473-C-T.
Other names: short protein forms V557I.
Identifiers: ClinVar variation 134434 (VCV000134434.5), dbSNP rs35958982, ClinGen allele CA159807.